The following is an entry in ClinVar:

ClinVar aggregate classification (germline): Pathogenic (1 of 4 stars; one submission).

Submission:

Labcorp Genetics (formerly Invitae), Labcorp
Classification: Pathogenic. Last evaluated: 2025-09-28. Review status: criteria provided, single submitter. Criteria: Invitae Variant Classification Sherloc (09022015). Collection method: clinical testing. Allele origin: germline.
Comment: This sequence change creates a premature translational stop signal (p.Leu1231Glyfs*20) in the TET2 gene. It is expected to result in an absent or disrupted protein product. Loss-of-function variants in TET2 are known to be pathogenic (PMID: 36066697). This variant is not present in population databases (gnomAD no frequency). This variant has not been reported in the literature in individuals affected with TET2-related conditions. For these reasons, this variant has been classified as Pathogenic.

Literature cited by the submitters: PubMed 36066697.

NM_001127208.3(TET2):c.3691_3697del (p.Leu1231fs)

Genes: TET2 (tet methylcytosine dioxygenase 2; plus strand), TET2-AS1 (TET2 antisense RNA 1; minus strand). Cytogenetic location: 4q24.
Variant type: Deletion.
Coding change: c.3691_3697del on transcript NM_001127208.3 (MANE Select); coding-DNA positions 3691 to 3697, 7 bases deleted (CTGGTGT; older notation c.3691_3697delCTGGTGT).
Protein change: p.Leu1231fs; shifts the reading frame from leucine 1231.
Molecular consequence: frameshift variant.
Genome position (GRCh38, 1-based): chr4:105,243,666-105,243,672, CTGGTGT deleted. VCF-style (leftmost placement, unchanged base first): chr4-105243665-CCTGGTGT-C. GRCh37 (hg19) VCF-style: chr4-106164822-CCTGGTGT-C.
Other names: short protein forms L1231fs.
Identifiers: ClinVar variation 4803759 (VCV004803759.1).